The following is an entry in ClinVar:

NM_019066.5(MAGEL2):c.1727C>A (p.Ala576Asp)

Gene: MAGEL2 (MAGE family member L2; minus strand). Cytogenetic location: 15q11.2.
Variant type: single nucleotide variant.
Coding change: c.1727C>A on transcript NM_019066.5 (MANE Select); coding-DNA position 1727, C replaced by A.
Protein change: p.Ala576Asp; replaces alanine 576 with aspartic acid.
Molecular consequence: missense variant.
Genome position (GRCh38, 1-based): chr15:23,646,016, G>T on the plus strand (C>A on the coding strand, the complement: MAGEL2 is on the minus strand). VCF-style: chr15-23646016-G-T. GRCh37 (hg19) VCF-style: chr15-23891163-G-T.
Other names: short protein forms A576D.
Identifiers: ClinVar variation 4985077 (VCV004985077.1).

ClinVar aggregate classification (germline): Uncertain significance (1 of 4 stars; one submission).

Conditions:
MAGEL2-related disorder. Also called: MAGEL2-related condition.

Submission:

PreventionGenetics, part of Exact Sciences
Classification: Uncertain significance for MAGEL2-related condition. Last evaluated: 2025-11-25. Review status: criteria provided, single submitter. Criteria: ACMG Guidelines, 2015. Collection method: clinical testing. Allele origin: germline.
Comment: The MAGEL2 c.1727C>A variant is predicted to result in the amino acid substitution p.Ala576Asp. To our knowledge, this variant has not been reported in the literature or in a large population database (gnomAD), indicating this variant is rare. At this time, the clinical significance of this variant is uncertain due to the absence of conclusive functional and genetic evidence.